The following is an entry in ClinVar:

NM_001943.5(DSG2):c.2103dup (p.Ala702fs)

Genes: DSG2 (desmoglein 2; plus strand), DSG2-AS1 (DSG2 antisense RNA 1; minus strand). Cytogenetic location: 18q12.1.
Variant type: Duplication.
Coding change: c.2103dup on transcript NM_001943.5 (MANE Select); coding-DNA position 2103, one base duplicated (T; older notation c.2103dupT).
Protein change: p.Ala702fs; shifts the reading frame from alanine 702.
Molecular consequence: frameshift variant.
Genome position (GRCh38, 1-based): chr18:31,542,621, T duplicated. VCF-style (leftmost placement, unchanged base first): chr18-31542620-C-CT. GRCh37 (hg19) VCF-style: chr18-29122583-C-CT.
Other names: short protein forms A702fs.
Identifiers: ClinVar variation 4718587 (VCV004718587.1).

ClinVar aggregate classification (germline): Pathogenic (1 of 4 stars; one submission).

Conditions:
Arrhythmogenic right ventricular dysplasia 10. Also called: Arrhythmogenic Right Ventricular Dysplasia/Cardiomyopathy10; ARRHYTHMOGENIC RIGHT VENTRICULAR DYSPLASIA, FAMILIAL, 10; Arrhythmogenic right ventricular dysplasia/cardiomyopathy, type 10. Identifiers: MedGen C1857777, MONDO:0012434, OMIM 610193.

Submission:

Labcorp Genetics (formerly Invitae), Labcorp
Classification: Pathogenic for Arrhythmogenic right ventricular dysplasia 10. Last evaluated: 2025-04-29. Review status: criteria provided, single submitter. Criteria: Invitae Variant Classification Sherloc (09022015). Collection method: clinical testing. Allele origin: germline.
Comment: This sequence change creates a premature translational stop signal (p.Ala702Cysfs*9) in the DSG2 gene. It is expected to result in an absent or disrupted protein product. Loss-of-function variants in DSG2 are known to be pathogenic (PMID: 17105751, 31386562). This variant is not present in population databases (gnomAD no frequency). This variant has not been reported in the literature in individuals affected with DSG2-related conditions. For these reasons, this variant has been classified as Pathogenic.

Literature cited by the submitters: PubMed 17105751; PubMed 31386562.